The following is an entry in ClinVar:

ClinVar aggregate classification (germline): Pathogenic/Likely pathogenic. Review status: criteria provided, multiple submitters, no conflicts (2 of 4 stars). 2 submissions from 2 submitters: Pathogenic (1); Likely pathogenic (1). Last evaluated 2022-11-07.

Conditions:
Severe X-linked myotubular myopathy (CNMX). Also called: MYOTUBULAR MYOPATHY 1; X-linked centronuclear myopathy; Myotubular myopathy, X-linked. Identifiers: Orphanet 596, MedGen C0410203, MONDO:0010683, OMIM 310400.

Submissions (2):

GeneDx
Classification: Likely pathogenic. Last evaluated: 2022-11-07. Review status: criteria provided, single submitter. Criteria: GeneDx Variant Classification Process June 2021. Collection method: clinical testing. Allele origin: germline. Affected: yes.
Comment: Identified in a patient with a myotubular myopathy confirmed by biopsy in the published literature, however zygosity of the variant was not provided (Herman et al., 2002); Not observed at significant frequency in large population cohorts (gnomAD); In silico analysis supports that this missense variant has a deleterious effect on protein structure/function; This variant is associated with the following publications: (PMID: 11793470, 30047259, 31324802, 26338224)

Genetic Services Laboratory, University of Chicago
Classification: Pathogenic for Myotubular myopathy, X-linked. Last evaluated: 2013-02-08. Review status: criteria provided, single submitter. Criteria: ACMG Guidelines, 2007. Collection method: clinical testing. Allele origin: germline. Inheritance: X-linked inheritance. Affected: yes.

NM_000252.3(MTM1):c.557C>T (p.Thr186Ile)

Gene: MTM1 (myotubularin 1; plus strand). Cytogenetic location: Xq28.
Variant type: single nucleotide variant.
Coding change: c.557C>T on transcript NM_000252.3 (MANE Select); coding-DNA position 557, C replaced by T.
Protein change: p.Thr186Ile; replaces threonine 186 with isoleucine.
Molecular consequence: missense variant.
Genome position (GRCh38, 1-based): chrX:150,641,297, C>T. VCF-style: chrX-150641297-C-T. GRCh37 (hg19) VCF-style: chrX-149809770-C-T.
Other names: c.557C>T, p.Thr186Ile (NM_001376906.1, NM_001376908.1); c.446C>T, p.Thr149Ile (NM_001376907.1); short protein forms T186I, T149I.
Identifiers: ClinVar variation 158982 (VCV000158982.7), dbSNP rs587783836, ClinGen allele CA271900.
Genomic context (GRCh38, chrX:150,641,297, plus strand): 5'-ATACTGACTTGAATTTCTTTTTTTCCTCACAGGGCTTGCCCAATCACCATTGGAGAATAA[C>T]TTTTATTAATAAGTGCTATGAGCTCTGTGACACTTACCCTGCTCTTTTGGTGGTTCCGTA-3'
Protein context (NP_000243.1, residues 176-196): QGLPNHHWRI[Thr186Ile]FINKCYELCD